The following is an entry in ClinVar:

ClinVar aggregate classification (germline): Uncertain significance (1 of 4 stars; one submission).

Conditions:
Cardiovascular phenotype. Identifiers: MedGen CN230736.

gnomAD v4.1: 1 of 1,558,622 alleles (0.000064%); highest among the groups gnomAD compares: African/African-American, 0.0014%; no homozygotes.

Submission:

Ambry Genetics
Classification: Uncertain significance for Cardiovascular phenotype. Last evaluated: 2025-06-06. Review status: criteria provided, single submitter. Criteria: Ambry Variant Classification Scheme 2023. Collection method: clinical testing. Allele origin: germline.
Comment: The c.229+4G>A intronic variant results from a G to A substitution 4 nucleotides after coding exon 3 in the TXNRD2 gene. This nucleotide position is well conserved in available vertebrate species. In silico splice site analysis predicts that this alteration will not have any significant effect on splicing. The evidence for this gene-disease relationship is limited; therefore, the clinical significance of this alteration is unclear.

NM_006440.5(TXNRD2):c.229+4G>A

Gene: TXNRD2 (thioredoxin reductase 2; minus strand). Cytogenetic location: 22q11.21.
Variant type: single nucleotide variant.
Coding change: c.229+4G>A on transcript NM_006440.5 (MANE Select); 4 bases into the intron after coding-DNA position 229, G replaced by A.
Molecular consequence: intron variant.
Genome position (GRCh38, 1-based): chr22:19,919,539, C>T on the plus strand (G>A on the coding strand, the complement: TXNRD2 is on the minus strand). VCF-style: chr22-19919539-C-T. GRCh37 (hg19) VCF-style: chr22-19907062-C-T.
Other names: c.226+4G>A (NM_001352300.2); c.-60+4G>A (NM_001352302.2); c.139+4G>A (NM_001352301.2); c.229+4G>A (NM_001282512.3); c.133+4G>A (NM_001352303.2).
Identifiers: ClinVar variation 3976398 (VCV003976398.1).